The following is an entry in ClinVar:

NM_000538.4(RFXAP):c.184G>A (p.Gly62Arg)

Gene: RFXAP (regulatory factor X associated protein; plus strand). Cytogenetic location: 13q13.3.
Variant type: single nucleotide variant.
Coding change: c.184G>A on transcript NM_000538.4 (MANE Select); coding-DNA position 184, G replaced by A.
Protein change: p.Gly62Arg; replaces glycine 62 with arginine.
Molecular consequence: missense variant.
Genome position (GRCh38, 1-based): chr13:36,819,541, G>A. VCF-style: chr13-36819541-G-A. GRCh37 (hg19) VCF-style: chr13-37393678-G-A.
Other names: short protein forms G62R.
Identifiers: ClinVar variation 1517339 (VCV001517339.8), dbSNP rs2057954457, ClinGen allele CA387853671.

ClinVar aggregate classification (germline): Uncertain significance (1 of 4 stars; one submission).

Conditions:
MHC class II deficiency. Also called: Bare lymphocyte syndrome 2; BLS, TYPE II. Identifiers: Orphanet 572, MedGen C5447452, MONDO:0008855.

Allele frequency attached by ClinVar (database versions not stated): TOPMed below 0.00001; gnomAD 0.00001.
gnomAD v4.1: 5 of 1,522,176 alleles (0.00033%); highest among the groups gnomAD compares: Admixed American, 0.0022%; no homozygotes.

Submission:

Labcorp Genetics (formerly Invitae), Labcorp
Classification: Uncertain significance for MHC class II deficiency. Last evaluated: 2022-02-04. Review status: criteria provided, single submitter. Criteria: Invitae Variant Classification Sherloc (09022015). Collection method: clinical testing. Allele origin: germline.
Comment: This variant has not been reported in the literature in individuals affected with RFXAP-related conditions. Algorithms developed to predict the effect of missense changes on protein structure and function output the following: SIFT: "Tolerated"; PolyPhen-2: "Benign"; Align-GVGD: "Class C0". The arginine amino acid residue is found in multiple mammalian species, which suggests that this missense change does not adversely affect protein function. Algorithms developed to predict the effect of sequence changes on RNA splicing suggest that this variant may create or strengthen a splice site. In summary, the available evidence is currently insufficient to determine the role of this variant in disease. Therefore, it has been classified as a Variant of Uncertain Significance. This variant is not present in population databases (gnomAD no frequency). This sequence change replaces glycine, which is neutral and non-polar, with arginine, which is basic and polar, at codon 62 of the RFXAP protein (p.Gly62Arg).